The following is an entry in ClinVar:

NM_021100.5(NFS1):c.1322dup (p.Met442fs)

Gene: NFS1 (NFS1 cysteine desulfurase; minus strand). Cytogenetic location: 20q11.22.
Variant type: Duplication.
Coding change: c.1322dup on transcript NM_021100.5 (MANE Select); coding-DNA position 1322, one base duplicated (A; older notation c.1322dupA).
Protein change: p.Met442fs; shifts the reading frame from methionine 442.
Molecular consequence: frameshift variant. On other transcripts: non-coding transcript variant (1).
Genome position (GRCh38, 1-based): chr20:35,669,674, T duplicated on the plus strand (A on the coding strand, the reverse complement: NFS1 is on the minus strand). VCF-style (leftmost placement, unchanged base first): chr20-35669673-C-CT. GRCh37 (hg19) VCF-style: chr20-34257595-C-CT.
Other names: c.1169dup, p.Met391fs (NM_001198989.2); short protein forms M391fs, M442fs.
Identifiers: ClinVar variation 3769760 (VCV003769760.1).
Genomic context (GRCh38, chr20:35,669,673, plus strand): 5'-CCTATTCTTCTAGTGTTGGGTCCACTTGATGCTCTTGAGGTCAATGCCATCCTGAACCAT[C>CT]TCCCAGAGAGGGCTGCCAAAGAGAAGAGGCATTAAATGAGTGAGGGCTTAGATAGGAAGT-3'

ClinVar aggregate classification (germline): Uncertain significance (1 of 4 stars; one submission).

Submission:

GeneDx
Classification: Uncertain significance. Last evaluated: 2024-09-15. Review status: criteria provided, single submitter. Criteria: GeneDx Variant Classification Process June 2021. Collection method: clinical testing. Allele origin: germline. Affected: yes.
Comment: Frameshift variant predicted to result in abnormal protein length as the last 16 amino acids are replaced with 6 different amino acids with an unclear effect on protein function; Not observed at significant frequency in large population cohorts (gnomAD); Has not been previously published as pathogenic or benign to our knowledge